The following is an entry in ClinVar:

NM_001130438.3(SPTAN1):c.652-6G>A

Gene: SPTAN1 (spectrin alpha, non-erythrocytic 1; plus strand). Cytogenetic location: 9q34.11.
Variant type: single nucleotide variant.
Coding change: c.652-6G>A on transcript NM_001130438.3 (MANE Select); 6 bases into the intron before coding-DNA position 652, G replaced by A.
Molecular consequence: intron variant.
Genome position (GRCh38, 1-based): chr9:128,576,817, G>A. VCF-style: chr9-128576817-G-A. GRCh37 (hg19) VCF-style: chr9-131339096-G-A.
Other names: p.?; c.652-6G>A (NM_001363759.2, NM_003127.4, NM_001363765.2 and 1 more transcripts).
Identifiers: ClinVar variation 139264 (VCV000139264.43), dbSNP rs115815276, ClinGen allele CA295189.

ClinVar aggregate classification (germline): Benign/Likely benign. Review status: criteria provided, multiple submitters, no conflicts (2 of 4 stars). 8 submissions from 8 submitters: Benign (5); Likely benign (3). Last evaluated 2026-09-01.

Conditions:
Early-infantile DEE. Also called: Early infantile epileptic encephalopathy; Ohtahara syndrome; Early infantile epileptic encephalopathy with suppression bursts. Identifiers: Orphanet 1934, MedGen C0393706, MONDO:0800491.
Developmental and epileptic encephalopathy, 5 (DEE5). Identifiers: Orphanet 3451, MedGen C3150731, MONDO:0013277, OMIM 613477.

Allele frequency attached by ClinVar (database versions not stated): gnomAD exomes 0.00043 and 0.00107; ExAC 0.00139; gnomAD 0.00403 and 0.00436; ESP Exome Variant Server 0.00477; TOPMed 0.00482; 1000 Genomes Project 0.00519; 1000 Genomes Project 30x 0.00562.
gnomAD v4.1: 1,268 of 1,613,510 alleles (0.079%); highest among the groups gnomAD compares: African/African-American, 1.5%; 10 homozygotes.

Submissions (8):

CeGaT Center for Human Genetics Tuebingen
Classification: Likely benign. Last evaluated: 2026-09-01. Review status: criteria provided, single submitter. Criteria: CeGaT Center For Human Genetics Tuebingen Variant Classification Criteria Version 2. Collection method: clinical testing. Allele origin: germline. Affected: yes. Observed: 6 variant alleles.
Comment: SPTAN1: BP4, BS1

Labcorp Genetics (formerly Invitae), Labcorp
Classification: Benign for Early-infantile DEE. Last evaluated: 2026-01-27. Review status: criteria provided, single submitter. Criteria: Invitae Variant Classification Sherloc (09022015). Collection method: clinical testing. Allele origin: germline.

Blueprint Genetics
Classification: Likely benign. Last evaluated: 2024-10-02. Review status: criteria provided, single submitter. Criteria: ACMG Guidelines, 2015. Collection method: clinical testing. Allele origin: germline.

Mayo Clinic Laboratories, Mayo Clinic
Classification: Benign. Last evaluated: 2024-01-17. Review status: criteria provided, single submitter. Criteria: ACMG Guidelines, 2015. Collection method: clinical testing. Allele origin: germline. Observed: 6 variant alleles.
Comment: BA1, BS2, BP4, BP7

Fulgent Genetics
Classification: Likely benign for Developmental and epileptic encephalopathy, 5. Last evaluated: 2021-11-05. Review status: criteria provided, single submitter. Criteria: ACMG Guidelines, 2015. Collection method: clinical testing. Allele origin: unknown.

Genome-Nilou Lab
Classification: Benign for Developmental and epileptic encephalopathy, 5. Last evaluated: 2021-07-15. Review status: criteria provided, single submitter. Criteria: ACMG Guidelines, 2015. Collection method: clinical testing. Allele origin: germline. Affected: no.

Genetic Services Laboratory, University of Chicago
Classification: Benign. Last evaluated: 2016-12-27. Review status: criteria provided, single submitter. Criteria: ACMG Guidelines, 2015. Collection method: clinical testing. Allele origin: germline. Affected: no.

GeneDx
Classification: Benign. Last evaluated: 2013-01-31. Review status: criteria provided, single submitter. Criteria: GeneDx Variant Classification (06012015). Collection method: clinical testing. Allele origin: germline. Affected: yes.
Comment: This variant is considered likely benign or benign based on one or more of the following criteria: it is a conservative change, it occurs at a poorly conserved position in the protein, it is predicted to be benign by multiple in silico algorithms, and/or has population frequency not consistent with disease.